The following is an entry in ClinVar:

NM_153700.2(STRC):c.3100-10C>T

Gene: STRC (stereocilin; minus strand). Cytogenetic location: 15q15.3.
Variant type: single nucleotide variant.
Coding change: c.3100-10C>T on transcript NM_153700.2 (MANE Select); 10 bases into the intron before coding-DNA position 3100, C replaced by T.
Molecular consequence: intron variant.
Genome position (GRCh38, 1-based): chr15:43,611,547, G>A on the plus strand (C>T on the coding strand, the complement: STRC is on the minus strand). VCF-style: chr15-43611547-G-A. GRCh37 (hg19) VCF-style: chr15-43903745-G-A.
Identifiers: ClinVar variation 165321 (VCV000165321.5), dbSNP rs727503450, ClinGen allele CA178065.

ClinVar aggregate classification (germline): Likely benign (1 of 4 stars; one submission).

Allele frequency attached by ClinVar (database versions not stated): gnomAD 0.00002; gnomAD exomes 0.00006.

Submission:

Laboratory for Molecular Medicine, Mass General Brigham Personalized Medicine
Classification: Likely benign. Last evaluated: 2014-08-07. Review status: criteria provided, single submitter. Criteria: LMM Criteria. Collection method: clinical testing. Allele origin: germline. Observed: 1 variant allele.
Comment: 3100-10C>T in intron 11 of STRC. This variant is not expected to have clinical significance because a C>T change at this position does not diverge from the spl ice consensus sequence and is therefore unlikely to impact splicing.